The following is an entry in ClinVar:

ClinVar aggregate classification (germline): Uncertain significance (1 of 4 stars; one submission).

Submission:

GeneDx
Classification: Uncertain significance. Last evaluated: 2022-02-25. Review status: criteria provided, single submitter. Criteria: GeneDx Variant Classification Process June 2021. Collection method: clinical testing. Allele origin: germline. Affected: yes.
Comment: Not observed at significant frequency in large population cohorts (gnomAD); In silico analysis supports that this missense variant does not alter protein structure/function; Has not been previously published as pathogenic or benign to our knowledge

NM_001374828.1(ARID1B):c.890C>T (p.Pro297Leu)

Genes: ARID1B (AT-rich interaction domain 1B; plus strand), LOC129997525 (ATAC-STARR-seq lymphoblastoid silent region 17712; plus strand). Cytogenetic location: 6q25.3.
Variant type: single nucleotide variant.
Coding change: c.890C>T on transcript NM_001374828.1 (MANE Select); coding-DNA position 890, C replaced by T.
Protein change: p.Pro297Leu; replaces proline 297 with leucine.
Molecular consequence: missense variant.
Genome position (GRCh38, 1-based): chr6:156,778,570, C>T. VCF-style: chr6-156778570-C-T. GRCh37 (hg19) VCF-style: chr6-157099704-C-T.
Other names: c.641C>T (NM_020732.3); c.890C>T, p.Pro297Leu (NM_001371656.1, NM_001374820.1, NM_017519.3); short protein forms P297L.
Identifiers: ClinVar variation 1703287 (VCV001703287.2), dbSNP rs1778863809, ClinGen allele CA366382344.